The following is an entry in ClinVar:

NM_000465.4(BARD1):c.1395+8T>A

Gene: BARD1 (BRCA1 associated RING domain 1; minus strand). Cytogenetic location: 2q35.
Variant type: single nucleotide variant.
Coding change: c.1395+8T>A on transcript NM_000465.4 (MANE Select); 8 bases into the intron after coding-DNA position 1395, T replaced by A.
Molecular consequence: intron variant.
Genome position (GRCh38, 1-based): chr2:214,769,224, A>T on the plus strand (T>A on the coding strand, the complement: BARD1 is on the minus strand). VCF-style: chr2-214769224-A-T. GRCh37 (hg19) VCF-style: chr2-215633948-A-T.
Other names: c.159-16669T>A (NM_001282548.2); c.1338+8T>A (NM_001282543.2); c.216-16669T>A (NM_001282545.2); c.364+23073T>A (NM_001282549.2).
Identifiers: ClinVar variation 2806125 (VCV002806125.4), dbSNP rs2106081002, ClinGen allele CA2739279062.

ClinVar aggregate classification (germline): Likely benign. Review status: criteria provided, multiple submitters, no conflicts (2 of 4 stars). 2 submissions from 2 submitters: Likely benign (2). Last evaluated 2024-12-28.

Conditions:
Familial cancer of breast. Also called: hereditary breast carcinoma; Hereditary breast cancer; BREAST CANCER, FAMILIAL. Identifiers: Orphanet 227535, MedGen C0346153, MONDO:0016419, OMIM 114480. Disease mechanism: loss of function.

Submissions (2):

Labcorp Genetics (formerly Invitae), Labcorp
Classification: Likely benign for Familial cancer of breast. Last evaluated: 2024-12-28. Review status: criteria provided, single submitter. Criteria: Invitae Variant Classification Sherloc (09022015). Collection method: clinical testing. Allele origin: germline.

Myriad Genetics, Inc.
Classification: Likely benign for Familial cancer of breast. Last evaluated: 2024-07-25. Review status: criteria provided, single submitter. Criteria: Myriad Autosomal Dominant, Autosomal Recessive and X-Linked Classification Criteria (2023). Collection method: clinical testing. Allele origin: unknown.
Comment: This variant is considered likely benign. This variant is intronic and is not expected to impact mRNA splicing.